The following is an entry in ClinVar:

NM_016222.4(DDX41):c.520G>A (p.Asp174Asn)

Gene: DDX41 (DEAD-box helicase 41; minus strand). Cytogenetic location: 5q35.3.
Variant type: single nucleotide variant.
Coding change: c.520G>A on transcript NM_016222.4 (MANE Select); coding-DNA position 520, G replaced by A.
Protein change: p.Asp174Asn; replaces aspartic acid 174 with asparagine.
Molecular consequence: missense variant.
Genome position (GRCh38, 1-based): chr5:177,515,736, C>T on the plus strand (G>A on the coding strand, the complement: DDX41 is on the minus strand). VCF-style: chr5-177515736-C-T. GRCh37 (hg19) VCF-style: chr5-176942737-C-T.
Other names: c.142G>A, p.Asp48Asn (NM_001321732.2, NM_001321830.2); short protein forms D174N, D48N.
Identifiers: ClinVar variation 3360150 (VCV003360150.1).
Genomic context (GRCh38, chr5:177,515,736, plus strand): 5'-CCTGACTACCTGCAGGAAACTTCATTTCCTTGAAGCTCTTGATGGGTGGTGGGATACCGT[C>T]TCCCTCCACCAGGATGTGGTATTTCTTCCGCACGCGCTCATGTCGCTCTTCAGACATGCT-3'
Protein context (NP_057306.2, residues 164-184): RKKYHILVEG[Asp174Asn]GIPPPIKSFK

ClinVar aggregate classification (germline): Uncertain significance (1 of 4 stars; one submission).

gnomAD v4.1: 1 of 1,614,022 alleles (0.000062%); highest among the groups gnomAD compares: Non-Finnish European, 0.000085%; no homozygotes.

Submission:

GeneDx
Classification: Uncertain significance. Last evaluated: 2023-06-20. Review status: criteria provided, single submitter. Criteria: GeneDx Variant Classification Process June 2021. Collection method: clinical testing. Allele origin: germline. Affected: yes.
Comment: Not observed at significant frequency in large population cohorts (gnomAD); In silico analysis supports that this missense variant does not alter protein structure/function; Has not been previously published as pathogenic or benign to our knowledge; This variant is associated with the following publications: (PMID: 27721487)